The following is an entry in ClinVar:

NM_002161.6(IARS1):c.1828G>A (p.Asp610Asn)

Gene: IARS1 (isoleucyl-tRNA synthetase 1; minus strand). Cytogenetic location: 9q22.31.
Variant type: single nucleotide variant.
Coding change: c.1828G>A on transcript NM_002161.6 (MANE Select); coding-DNA position 1828, G replaced by A.
Protein change: p.Asp610Asn; replaces aspartic acid 610 with asparagine.
Molecular consequence: missense variant. On other transcripts: non-coding transcript variant (1), intron variant (1).
Genome position (GRCh38, 1-based): chr9:92,260,194, C>T on the plus strand (G>A on the coding strand, the complement: IARS1 is on the minus strand). VCF-style: chr9-92260194-C-T. GRCh37 (hg19) VCF-style: chr9-95022476-C-T.
Other names: c.1828G>A, p.Asp610Asn (NM_001374299.1, NM_001374300.1, NM_001378572.1 and 13 more transcripts); c.1891G>A, p.Asp631Asn (NM_001378569.1); c.1849G>A, p.Asp617Asn (NM_001378571.1); c.1705G>A, p.Asp569Asn (NM_001378583.1); c.1788-1196G>A (NM_001374301.1); short protein forms D569N, D610N, D631N, D617N.
Identifiers: ClinVar variation 4697393 (VCV004697393.1).

ClinVar aggregate classification (germline): Uncertain significance (1 of 4 stars; one submission).

gnomAD v4.1: 18 of 1,614,014 alleles (0.0011%); highest among the groups gnomAD compares: Non-Finnish European, 0.0014%; no homozygotes.

Submission:

Labcorp Genetics (formerly Invitae), Labcorp
Classification: Uncertain significance. Last evaluated: 2025-12-30. Review status: criteria provided, single submitter. Criteria: Invitae Variant Classification Sherloc (09022015). Collection method: clinical testing. Allele origin: germline.
Comment: This sequence change replaces aspartic acid, which is acidic and polar, with asparagine, which is neutral and polar, at codon 610 of the IARS protein (p.Asp610Asn). This variant is present in population databases (rs377474826, gnomAD 0.007%). This variant has not been reported in the literature in individuals affected with IARS-related conditions. An algorithm developed to predict the effect of missense changes on protein structure and function (PolyPhen-2) suggests that this variant is likely to be disruptive. In summary, the available evidence is currently insufficient to determine the role of this variant in disease. Therefore, it has been classified as a Variant of Uncertain Significance.